The following is an entry in ClinVar:

ClinVar aggregate classification (germline): Pathogenic (1 of 4 stars; one submission).

Conditions:
Hereditary cancer-predisposing syndrome. Also called: Hereditary Cancer Syndrome; Hereditary neoplastic syndrome; Tumor predisposition; Neoplastic Syndromes, Hereditary. Identifiers: Orphanet 140162, MedGen C0027672, MeSH D009386, MONDO:0015356.

Submission:

Ambry Genetics
Classification: Pathogenic for Hereditary cancer-predisposing syndrome. Last evaluated: 2021-06-21. Review status: criteria provided, single submitter. Criteria: Ambry Variant Classification Scheme 2023. Collection method: clinical testing. Allele origin: germline.
Comment: The c.2273delA pathogenic mutation, located in coding exon 13 of the PMS2 gene, results from a deletion of one nucleotide at nucleotide position 2273, causing a translational frameshift with a predicted alternate stop codon (p.N758Mfs*10). This alteration is expected to result in loss of function by premature protein truncation or nonsense-mediated mRNA decay. As such, this alteration is interpreted as a disease-causing mutation.

NM_000535.7(PMS2):c.2273del (p.Asn758fs)

Gene: PMS2 (PMS1 homolog 2, mismatch repair system component; minus strand). Cytogenetic location: 7p22.1.
Variant type: Deletion.
Coding change: c.2273del on transcript NM_000535.7 (MANE Select); coding-DNA position 2273, one base deleted (A; older notation c.2273delA).
Protein change: p.Asn758fs; shifts the reading frame from asparagine 758.
Molecular consequence: frameshift variant. On other transcripts: non-coding transcript variant (1).
Genome position (GRCh38, 1-based): chr7:5,978,598, T deleted on the plus strand (A on the coding strand, the reverse complement: PMS2 is on the minus strand); the first of 4 consecutive T bases (chr7:5,978,598-5,978,601); deleting any one gives the same sequence. VCF-style (leftmost placement, unchanged base first): chr7-5978597-AT-A. GRCh37 (hg19) VCF-style: chr7-6018228-AT-A.
Other names: c.1757delA, p.Asn587Metfs (NM_001406904.1, NM_001406905.1); c.1709delA, p.Asn571Metfs (NM_001406907.1, NM_001406906.1); c.1067delA, p.Asn357Metfs (NM_001406912.1); c.1697delA, p.Asn567Metfs (NM_001406908.1, NM_001406909.1); c.1499delA, p.Asn501Metfs (NM_001406911.1); c.1865delA, p.Asn623Metfs (NM_001018040.1, NM_001406887.1, NM_001406888.1 and 11 more transcripts); c.1868del, p.Asn623fs (NM_001322003.2, NM_001322004.2, NM_001322005.2 and 1 more transcripts); c.2117del, p.Asn706fs (NM_001322006.2); and 21 more; short protein forms N447fs, N567fs, N652fs, N655fs, N706fs, N571fs, N758fs, N623fs.
Identifiers: ClinVar variation 1788819 (VCV001788819.2), dbSNP rs2535385489, ClinGen allele CA2580076821.